The following is an entry in ClinVar:

ClinVar aggregate classification (germline): Likely benign. Review status: criteria provided, multiple submitters, no conflicts (2 of 4 stars). 2 submissions from 2 submitters: Likely benign (2). Last evaluated 2019-07-09.

Conditions:
Hereditary cancer-predisposing syndrome. Also called: Hereditary Cancer Syndrome; Hereditary neoplastic syndrome; Neoplastic Syndromes, Hereditary; Tumor predisposition. Identifiers: Orphanet 140162, MedGen C0027672, MeSH D009386, MONDO:0015356.

Allele frequency attached by ClinVar (database versions not stated): gnomAD exomes below 0.00001; ExAC 0.00001.
gnomAD v4.1: 2 of 1,609,656 alleles (0.00012%); highest among the groups gnomAD compares: South Asian, 0.0011%; no homozygotes.

Submissions (2):

Color Diagnostics, LLC DBA Color Health
Classification: Likely benign for Hereditary cancer-predisposing syndrome. Last evaluated: 2019-07-09. Review status: criteria provided, single submitter. Criteria: ACMG Guidelines, 2015. Collection method: clinical testing. Allele origin: germline.

GeneDx
Classification: Likely benign. Last evaluated: 2016-08-01. Review status: criteria provided, single submitter. Criteria: GeneDx Variant Classification (06012015). Collection method: clinical testing. Allele origin: germline. Affected: yes.
Comment: This variant is considered likely benign or benign based on one or more of the following criteria: it is a conservative change, it occurs at a poorly conserved position in the protein, it is predicted to be benign by multiple in silico algorithms, and/or has population frequency not consistent with disease.

NM_007194.4(CHEK2):c.1259+20C>T

Gene: CHEK2 (checkpoint kinase 2; minus strand). Cytogenetic location: 22q12.1.
Variant type: single nucleotide variant.
Coding change: c.1259+20C>T on transcript NM_007194.4 (MANE Select); 20 bases into the intron after coding-DNA position 1259, C replaced by T.
Molecular consequence: intron variant.
Genome position (GRCh38, 1-based): chr22:28,695,690, G>A on the plus strand (C>T on the coding strand, the complement: CHEK2 is on the minus strand). VCF-style: chr22-28695690-G-A. GRCh37 (hg19) VCF-style: chr22-29091678-G-A.
Other names: c.596+20C>T (NM_001437942.1, NM_001257387.3); c.1058+20C>T (NM_001349956.3); c.1172+20C>T (NM_145862.3); c.1265+20C>T (NM_001438295.1); c.1352+20C>T (NM_001438293.1); c.1301+20C>T (NM_001438294.1); c.1388+20C>T (NM_001005735.3).
Identifiers: ClinVar variation 388294 (VCV000388294.3), dbSNP rs777379343, ClinGen allele CA10167696.